The following is an entry in ClinVar:

NM_001164665.2(KIAA1549):c.5261A>G (p.Tyr1754Cys)

Gene: KIAA1549 (KIAA1549; minus strand). Cytogenetic location: 7q34.
Variant type: single nucleotide variant.
Coding change: c.5261A>G on transcript NM_001164665.2 (MANE Select); coding-DNA position 5261, A replaced by G.
Protein change: p.Tyr1754Cys; replaces tyrosine 1754 with cysteine.
Molecular consequence: missense variant.
Genome position (GRCh38, 1-based): chr7:138,852,256, T>C on the plus strand (A>G on the coding strand, the complement: KIAA1549 is on the minus strand). VCF-style: chr7-138852256-T-C. GRCh37 (hg19) VCF-style: chr7-138537002-T-C.
Other names: c.5261A>G, p.Tyr1754Cys (NM_020910.3); short protein forms Y1754C.
Identifiers: ClinVar variation 722843 (VCV000722843.14), dbSNP rs199604464, ClinGen allele CA4505618.

ClinVar aggregate classification (germline): Conflicting classifications of pathogenicity. Review status: criteria provided, conflicting classifications (1 of 4 stars). 4 submissions from 4 submitters: Uncertain significance (1); Likely benign (2). 1 of the submissions does not count toward it. Last evaluated 2025-09-21.

Conditions:
KIAA1549-related disorder. Also called: KIAA1549-related condition.
Inborn genetic diseases. Identifiers: MedGen C0950123, MeSH D030342.

Allele frequency attached by ClinVar (database versions not stated): gnomAD exomes 0.00009 and 0.00021; ExAC 0.00026; ESP Exome Variant Server 0.00068; gnomAD 0.00085 and 0.00091; TOPMed 0.00093; 1000 Genomes Project 0.00100; 1000 Genomes Project 30x 0.00109.
gnomAD v4.1: 259 of 1,608,946 alleles (0.016%); highest among the groups gnomAD compares: African/African-American, 0.31%; 2 homozygotes.

Submissions (4):

Labcorp Genetics (formerly Invitae), Labcorp
Classification: Likely benign. Last evaluated: 2025-09-21. Review status: criteria provided, single submitter. Criteria: Invitae Variant Classification Sherloc (09022015). Collection method: clinical testing. Allele origin: germline.

Ambry Genetics
Classification: Uncertain significance for Inborn genetic diseases. Last evaluated: 2025-02-26. Review status: criteria provided, single submitter. Criteria: Ambry Variant Classification Scheme 2023. Collection method: clinical testing. Allele origin: germline.

Blueprint Genetics
Classification: Likely benign. Last evaluated: 2024-09-13. Review status: criteria provided, single submitter. Criteria: ACMG Guidelines, 2015. Collection method: clinical testing. Allele origin: germline.

PreventionGenetics, part of Exact Sciences
Classification: Likely benign for KIAA1549-related condition. Last evaluated: 2024-03-05. Review status: no assertion criteria provided. Collection method: clinical testing. Allele origin: germline. Not counted in ClinVar's aggregate classification.
Comment: This variant is classified as likely benign based on ACMG/AMP sequence variant interpretation guidelines (Richards et al. 2015 PMID: 25741868, with internal and published modifications).